The following is an entry in ClinVar:

ClinVar aggregate classification (germline): Uncertain significance (1 of 4 stars; one submission).

Conditions:
Familial adenomatous polyposis 1 (FAP1). Also called: FAMILIAL ADENOMATOUS POLYPOSIS 1, ATTENUATED; POLYPOSIS, ADENOMATOUS INTESTINAL. Identifiers: MedGen C2713442, MONDO:0021056, OMIM 175100. Disease mechanism: loss of function.

Allele frequency attached by ClinVar (database versions not stated): gnomAD exomes 0.00001; ExAC 0.00008.
gnomAD v4.1: 6 of 1,369,410 alleles (0.00044%); highest among the groups gnomAD compares: South Asian, 0.0073%; no homozygotes.

Submission:

Labcorp Genetics (formerly Invitae), Labcorp
Classification: Uncertain significance for Familial adenomatous polyposis 1. Last evaluated: 2019-04-24. Review status: criteria provided, single submitter. Criteria: Invitae Variant Classification Sherloc (09022015). Collection method: clinical testing. Allele origin: germline.
Comment: This variant occurs in a non-coding region of the APC gene. It does not change the encoded amino acid sequence of the APC protein. While this variant is present in population databases (rs778974265), the frequency information is unreliable, as metrics indicate poor data quality at this position in the ExAC database. This variant has not been reported in the literature in individuals with APC-related conditions. Experimental studies and prediction algorithms are not available for this variant, and the functional significance of this non-coding change is currently unknown. In summary, the available evidence is currently insufficient to determine the role of this variant in disease. Therefore, it has been classified as a Variant of Uncertain Significance.

NM_001127511.3(APC):c.-50G>C

Gene: APC (APC regulator of Wnt signaling pathway; plus strand). Cytogenetic location: 5q22.2.
Variant type: single nucleotide variant.
Coding change: c.-50G>C on transcript NM_001127511.3; 50 bases upstream of the start codon, G replaced by C.
Molecular consequence: 5 prime UTR variant. On other transcripts: non-coding transcript variant (1), intron variant (5).
Genome position (GRCh38, 1-based): chr5:112,707,668, G>C. VCF-style: chr5-112707668-G-C. GRCh37 (hg19) VCF-style: chr5-112043365-G-C.
Other names: c.-233G>C (NM_001354895.2, NM_001407447.1, NM_001407452.1 and 3 more transcripts); c.-50G>C (NM_001354897.2, NM_001354902.2, NM_001407446.1); c.-1268G>C (NM_001407470.1, NM_001407472.1); c.-19+19G>C (NM_001407448.1, NM_001407450.1, NM_001407457.1 and 1 more transcripts); c.-43+19G>C (NM_001407453.1).
Identifiers: ClinVar variation 1014241 (VCV001014241.9), dbSNP rs778974265, ClinGen allele CA058537.
Genomic context (GRCh38, chr5:112,707,668, plus strand): 5'-CCCGGGAGCTGCGGACCGAGGTTGGCTCGATGCTGTTCCCAGGTACTGTTGTTGGCTGTT[G>C]GTGAGGAAGGTGAAGCACTCAGTTGCCTTCTCGGGCCTCGGCGCCCCCTATGTACGCCTC-3'